The following is an entry in ClinVar:

ClinVar aggregate classification (germline): Pathogenic (1 of 4 stars; one submission).

Conditions:
Neuropathy, hereditary sensory and autonomic, type 2A (HSAN2A). Also called: ACROOSTEOLYSIS, GIACCAI TYPE; ACROOSTEOLYSIS, NEUROGENIC; WNK1-Related HSAN2 (HSAN2A); HSAN IIA; MORVAN DISEASE; NEUROPATHY, CONGENITAL SENSORY. Identifiers: Orphanet 970, MedGen C2752089, MONDO:0024309, OMIM 201300.
Pseudohypoaldosteronism type 2C (PHA2C). Also called: Pseudohypoaldosteronism Type IIC. Identifiers: Orphanet 757, Orphanet 88940, MedGen C1840391, MONDO:0013778, OMIM 614492.

Submission:

Labcorp Genetics (formerly Invitae), Labcorp
Classification: Pathogenic for Neuropathy, hereditary sensory and autonomic, type 2A; Pseudohypoaldosteronism type 2C. Last evaluated: 2019-07-26. Review status: criteria provided, single submitter. Criteria: Invitae Variant Classification Sherloc (09022015). Collection method: clinical testing. Allele origin: germline.
Comment: For these reasons, this variant has been classified as Pathogenic. Loss-of-function variants in WNK1 are known to be pathogenic (PMID: 22910560). This variant has not been reported in the literature in individuals with WNK1-related conditions. This variant is not present in population databases (ExAC no frequency). This sequence change creates a premature translational stop signal (p.Tyr1134*) in the WNK1 gene. It is expected to result in an absent or disrupted protein product.

Literature cited by the submitters: PubMed 22910560.

NM_213655.5(WNK1):c.3402T>G (p.Tyr1134Ter)

Gene: WNK1 (WNK lysine deficient protein kinase 1; plus strand). Cytogenetic location: 12p13.33.
Variant type: single nucleotide variant.
Coding change: c.3402T>G on transcript NM_213655.5 (MANE Plus Clinical); coding-DNA position 3402, T replaced by G.
Protein change: p.Tyr1134Ter; replaces tyrosine 1134 with a stop codon.
Molecular consequence: nonsense. On other transcripts: intron variant (2).
Genome position (GRCh38, 1-based): chr12:868,873, T>G. VCF-style: chr12-868873-T-G. GRCh37 (hg19) VCF-style: chr12-978039-T-G.
Other names: c.3147T>G, p.Tyr1049Ter (NM_001184985.2); c.2140-2392T>G (NM_018979.4, NM_014823.3); short protein forms Y1049*, Y1134*.
Identifiers: ClinVar variation 956057 (VCV000956057.7), dbSNP rs1951905881, ClinGen allele CA383342027.